The following is an entry in ClinVar:

NM_004991.4(MECOM):c.2620A>G (p.Asn874Asp)

Gene: MECOM (MDS1 and EVI1 complex locus; minus strand). Cytogenetic location: 3q26.2.
Variant type: single nucleotide variant.
Coding change: c.2620A>G on transcript NM_004991.4 (MANE Select); coding-DNA position 2620, A replaced by G.
Protein change: p.Asn874Asp; replaces asparagine 874 with aspartic acid.
Molecular consequence: missense variant.
Genome position (GRCh38, 1-based): chr3:169,102,211, T>C on the plus strand (A>G on the coding strand, the complement: MECOM is on the minus strand). VCF-style: chr3-169102211-T-C. GRCh37 (hg19) VCF-style: chr3-168819999-T-C.
Other names: c.2251A>G, p.Asn751Asp (NM_001105077.4); c.2056A>G, p.Asn686Asp (NM_001105078.4, NM_001205194.2, NM_001366469.2 and 1 more transcripts); c.2032A>G, p.Asn678Asp (NM_001163999.2, NM_001366470.2); c.2029A>G, p.Asn677Asp (NM_001164000.2, NM_001366471.2, NM_001366472.2); c.2593A>G, p.Asn865Asp (NM_001366466.2); c.2059A>G, p.Asn687Asp (NM_001366467.2, NM_001366468.2); c.1621A>G, p.Asn541Asp (NM_001366473.2); c.1057A>G, p.Asn353Asp (NM_001366474.2); short protein forms N677D, N686D, N751D, N865D, N353D, N678D, N687D, N541D.
Identifiers: ClinVar variation 3871820 (VCV003871820.1).
Genomic context (GRCh38, chr3:169,102,211, plus strand): 5'-GTAAGAGCTCACTGGCCTCAGGTTTCAGGGCACTGAAGCTCTCTAGCTTTTCTGCCATGT[T>C]TTCAATAGCTGACATCTGAAAGGTAAAAGCACAAGACCATGAAGCGTTTGGCATCTTGTC-3'
Protein context (NP_004982.2, residues 864-884): DQRTWMSAIE[Asn874Asp]MAEKLESFSA

ClinVar aggregate classification (germline): Uncertain significance (1 of 4 stars; one submission).

Conditions:
Inborn genetic diseases. Identifiers: MedGen C0950123, MeSH D030342.

gnomAD v4.1: 8 of 1,613,034 alleles (0.0005%); highest among the groups gnomAD compares: South Asian, 0.0077%; no homozygotes.

Submission:

Ambry Genetics
Classification: Uncertain significance for Inborn genetic diseases. Last evaluated: 2025-02-09. Review status: criteria provided, single submitter. Criteria: Ambry Variant Classification Scheme 2023. Collection method: clinical testing. Allele origin: germline.
Comment: The p.N874D variant (also known as c.2620A>G), located in coding exon 11 of the MECOM gene, results from an A to G substitution at nucleotide position 2620. The asparagine at codon 874 is replaced by aspartic acid, an amino acid with highly similar properties. This amino acid position is conserved. In addition, this alteration is predicted to be tolerated by in silico analysis. Based on the available evidence, the clinical significance of this variant remains unclear.